The following is an entry in ClinVar:

ClinVar aggregate classification (germline): Benign. Review status: criteria provided, multiple submitters, no conflicts (2 of 4 stars). 2 submissions from 2 submitters: Benign (2). Last evaluated 2018-06-14.

Allele frequency attached by ClinVar (database versions not stated): TOPMed 0.99081; 1000 Genomes Project 30x 0.99344; gnomAD 0.99159; 1000 Genomes Project 0.99301; gnomAD exomes 0.99925.

Submissions (2):

GeneDx
Classification: Benign. Last evaluated: 2018-06-14. Review status: criteria provided, single submitter. Criteria: GeneDx Variant Classification (06012015). Collection method: clinical testing. Allele origin: germline. Affected: yes.
Comment: This variant is considered likely benign or benign based on one or more of the following criteria: it is a conservative change, it occurs at a poorly conserved position in the protein, it is predicted to be benign by multiple in silico algorithms, and/or has population frequency not consistent with disease.

Breakthrough Genomics
Classification: Benign. Review status: criteria provided, single submitter. Criteria: ACMG Guidelines, 2015. Collection method: not provided. Allele origin: germline. Inheritance: Unknown mechanism. Affected: yes.

NM_004551.1(NDUFS3):c.-292A>G

Genes: NDUFS3 (NADH:ubiquinone oxidoreductase core subunit S3; plus strand), KBTBD4 (kelch repeat and BTB domain containing 4; minus strand). Cytogenetic location: 11p11.2.
Variant type: single nucleotide variant.
Coding change: c.-292A>G on transcript NM_004551.1; 292 bases upstream of the start codon, A replaced by G.
Molecular consequence: intron variant (on NM_018095.6).
Genome position (GRCh38, 1-based): chr11:47,578,800, A>G. VCF-style: chr11-47578800-A-G. GRCh37 (hg19) VCF-style: chr11-47600352-A-G.
Other names: c.-26+133T>C (NM_001318721.2); c.19+133T>C (NM_018095.6, NM_001318719.2, NM_001318717.2); c.-4+133T>C (NM_001318718.2); c.-30+116T>C (NM_001318722.2); c.40+112T>C (NM_001318720.2); c.-30+32T>C (NM_001318723.2); c.-26+28T>C (NM_001318724.2); c.-30+28T>C (NM_016506.7).
Identifiers: ClinVar variation 683070 (VCV000683070.4), dbSNP rs4450136, ClinGen allele CA221735330.
Genomic context (GRCh38, chr11:47,578,800, plus strand): 5'-CCCGCCCTCGTCAAAAGCTTGGCTCAGAGAGCGGGGGAGGGGTGTGTAGCGTAGAACCCA[A>G]AACGCCCGCCCCCTCCCCTCCTCTCACCCGCCTGGTTCTTCAGCGTCCTCGCCTTCTCTC-3'